The following is an entry in ClinVar:

ClinVar aggregate classification (germline): Uncertain significance (1 of 4 stars; one submission).

gnomAD v4.1: 1 of 1,614,190 alleles (0.000062%); highest among the groups gnomAD compares: Non-Finnish European, 0.000085%; no homozygotes.

Submission:

Labcorp Genetics (formerly Invitae), Labcorp
Classification: Uncertain significance. Last evaluated: 2024-03-30. Review status: criteria provided, single submitter. Criteria: Invitae Variant Classification Sherloc (09022015). Collection method: clinical testing. Allele origin: germline.
Comment: This sequence change replaces serine, which is neutral and polar, with cysteine, which is neutral and slightly polar, at codon 246 of the MTMR14 protein (p.Ser246Cys). This variant is not present in population databases (gnomAD no frequency). This variant has not been reported in the literature in individuals affected with MTMR14-related conditions. Advanced modeling of protein sequence and biophysical properties (such as structural, functional, and spatial information, amino acid conservation, physicochemical variation, residue mobility, and thermodynamic stability) performed at Invitae indicates that this missense variant is not expected to disrupt MTMR14 protein function with a negative predictive value of 80%. In summary, the available evidence is currently insufficient to determine the role of this variant in disease. Therefore, it has been classified as a Variant of Uncertain Significance.

NM_001077525.3(MTMR14):c.737C>G (p.Ser246Cys)

Gene: MTMR14 (myotubularin related protein 14; plus strand). Cytogenetic location: 3p25.3.
Variant type: single nucleotide variant.
Coding change: c.737C>G on transcript NM_001077525.3 (MANE Select); coding-DNA position 737, C replaced by G.
Protein change: p.Ser246Cys; replaces serine 246 with cysteine.
Molecular consequence: missense variant. On other transcripts: non-coding transcript variant (9).
Genome position (GRCh38, 1-based): chr3:9,672,744, C>G. VCF-style: chr3-9672744-C-G. GRCh37 (hg19) VCF-style: chr3-9714428-C-G.
Other names: c.22C>G, p.Pro8Ala (NM_001400547.1, NM_001400548.1, NM_001400550.1 and 1 more transcripts); c.95C>G, p.Ser32Cys (NM_001400549.1, NM_001400538.1, NM_001400539.1 and 9 more transcripts); c.737C>G, p.Ser246Cys (NM_022485.5, NM_001077526.3, NM_001400520.1 and 2 more transcripts); c.806C>G, p.Ser269Cys (NM_001400518.1, NM_001400521.1, NM_001400526.1); c.734C>G, p.Ser245Cys (NM_001400519.1, NM_001400522.1); c.491C>G, p.Ser164Cys (NM_001400524.1, NM_001400536.1, NM_001400527.1 and 1 more transcripts); c.455C>G, p.Ser152Cys (NM_001400525.1, NM_001400537.1, NM_001400529.1 and 1 more transcripts); c.488C>G, p.Ser163Cys (NM_001400531.1); short protein forms S152C, S163C, S164C, S245C, S269C, S32C, P8A, S246C.
Identifiers: ClinVar variation 3693559 (VCV003693559.2).